The following is an entry in ClinVar:

ClinVar aggregate classification (germline): Uncertain significance. Review status: criteria provided, multiple submitters, no conflicts (2 of 4 stars). 2 submissions from 2 submitters: Uncertain significance (2). Last evaluated 2024-12-01.

Conditions:
Hereditary cancer-predisposing syndrome. Also called: Hereditary Cancer Syndrome; Tumor predisposition; Hereditary neoplastic syndrome; Neoplastic Syndromes, Hereditary. Identifiers: Orphanet 140162, MedGen C0027672, MeSH D009386, MONDO:0015356.
Colorectal cancer, susceptibility to, 12 (CRCS12). Also called: COLORECTAL CANCER, SUSCEPTIBILITY TO, ON CHROMOSOME 12q24. Identifiers: Orphanet 220460, MedGen C3554460, MONDO:0014038, OMIM 615083.

Submissions (2):

Ambry Genetics
Classification: Uncertain significance for Hereditary cancer-predisposing syndrome. Last evaluated: 2024-12-01. Review status: criteria provided, single submitter. Criteria: Ambry Variant Classification Scheme 2023. Collection method: clinical testing. Allele origin: germline.
Comment: The p.G1927R variant (also known as c.5779G>C), located in coding exon 42 of the POLE gene, results from a G to C substitution at nucleotide position 5779. The glycine at codon 1927 is replaced by arginine, an amino acid with dissimilar properties. This amino acid position is conserved. In addition, the in silico prediction for this alteration is inconclusive. Based on the available evidence, the clinical significance of this variant remains unclear.

Labcorp Genetics (formerly Invitae), Labcorp
Classification: Uncertain significance for Colorectal cancer, susceptibility to, 12. Last evaluated: 2022-01-14. Review status: criteria provided, single submitter. Criteria: Invitae Variant Classification Sherloc (09022015). Collection method: clinical testing. Allele origin: germline.
Comment: This sequence change replaces glycine, which is neutral and non-polar, with arginine, which is basic and polar, at codon 1927 of the POLE protein (p.Gly1927Arg). This variant is not present in population databases (gnomAD no frequency). This variant has not been reported in the literature in individuals affected with POLE-related conditions. ClinVar contains an entry for this variant (Variation ID: 1056259). Algorithms developed to predict the effect of missense changes on protein structure and function are either unavailable or do not agree on the potential impact of this missense change (SIFT: "Deleterious"; PolyPhen-2: "Benign"; Align-GVGD: "Class C15"). In summary, the available evidence is currently insufficient to determine the role of this variant in disease. Therefore, it has been classified as a Variant of Uncertain Significance.

NM_006231.4(POLE):c.5779G>C (p.Gly1927Arg)

Gene: POLE (DNA polymerase epsilon, catalytic subunit; minus strand). Cytogenetic location: 12q24.33.
Variant type: single nucleotide variant.
Coding change: c.5779G>C on transcript NM_006231.4 (MANE Select); coding-DNA position 5779, G replaced by C.
Protein change: p.Gly1927Arg; replaces glycine 1927 with arginine.
Molecular consequence: missense variant.
Genome position (GRCh38, 1-based): chr12:132,635,924, C>G on the plus strand (G>C on the coding strand, the complement: POLE is on the minus strand). VCF-style: chr12-132635924-C-G. GRCh37 (hg19) VCF-style: chr12-133212510-C-G.
Other names: c.5779G>C (NM_006231.2); short protein forms G1927R.
Identifiers: ClinVar variation 1056259 (VCV001056259.7), dbSNP rs2138485262, ClinGen allele CA387372832.